The following is an entry in ClinVar:

NM_001010909.5(MUC21):c.528G>A (p.Gly176=)

Gene: MUC21 (mucin 21, cell surface associated; plus strand). Cytogenetic location: 6p21.33.
Variant type: single nucleotide variant.
Coding change: c.528G>A on transcript NM_001010909.5 (MANE Select); coding-DNA position 528, G replaced by A.
Protein change: p.Gly176=; no amino-acid change (glycine 176 retained).
Molecular consequence: synonymous variant. On other transcripts: non-coding transcript variant (1).
Genome position (GRCh38, 1-based): chr6:30,986,703, G>A. VCF-style: chr6-30986703-G-A. GRCh37 (hg19) VCF-style: chr6-30954480-G-A.
Other names: c.618G>A, p.Gly206= (NM_001322370.2, NM_001322371.2).
Identifiers: ClinVar variation 2656353 (VCV002656353.24), dbSNP rs139959059, ClinGen allele CA3707168.

ClinVar aggregate classification (germline): Likely benign (1 of 4 stars; one submission).

Allele frequency attached by ClinVar (database versions not stated): gnomAD 0.00106; ExAC 0.05485.

Submission:

CeGaT Center for Human Genetics Tuebingen
Classification: Likely benign. Last evaluated: 2023-08-01. Review status: criteria provided, single submitter. Criteria: CeGaT Center For Human Genetics Tuebingen Variant Classification Criteria Version 2. Collection method: clinical testing. Allele origin: germline. Affected: yes. Observed: 1 variant allele.
Comment: MUC21: BP4, BP7